The following is an entry in ClinVar:

ClinVar aggregate classification (germline): Benign/Likely benign. Review status: criteria provided, multiple submitters, no conflicts (2 of 4 stars). 8 submissions from 8 submitters: Benign (2); Likely benign (6). Last evaluated 2026-02-01.

Conditions:
Hereditary hemorrhagic telangiectasia (HHT). Also called: Osler hemorrhagic telangiectasia syndrome; ORW DISEASE; Osler Weber Rendu syndrome; OSLER-RENDU-WEBER DISEASE. Identifiers: Orphanet 774, MedGen C0039445, MONDO:0019180. Disease mechanism: loss of function.
Cardiovascular phenotype. Identifiers: MedGen CN230736.
Telangiectasia, hereditary hemorrhagic, type 1 (HHT1). Also called: Osler Weber Rendu syndrome type 1; ENG-Related Hereditary Hemorrhagic Telangiectasia. Identifiers: Orphanet 774, MedGen C4551861, MONDO:0008535, OMIM 187300. Disease mechanism: loss of function.

Allele frequency attached by ClinVar (database versions not stated): gnomAD exomes 0.00012 and 0.00031; ExAC 0.00041; TOPMed 0.00085; gnomAD 0.00090 and 0.00091; ESP Exome Variant Server 0.00100; 1000 Genomes Project 30x 0.00234; 1000 Genomes Project 0.00280.
gnomAD v4.1: 334 of 1,613,968 alleles (0.021%); highest among the groups gnomAD compares: African/African-American, 0.28%; 2 homozygotes.

Submissions (8):

CeGaT Center for Human Genetics Tuebingen
Classification: Likely benign. Last evaluated: 2026-02-01. Review status: criteria provided, single submitter. Criteria: CeGaT Center For Human Genetics Tuebingen Variant Classification Criteria Version 2. Collection method: clinical testing. Allele origin: germline. Affected: yes. Observed: 3 variant alleles.
Comment: ENG: BP4, BP7

Labcorp Genetics (formerly Invitae), Labcorp
Classification: Benign for Hereditary hemorrhagic telangiectasia. Last evaluated: 2026-01-28. Review status: criteria provided, single submitter. Criteria: Invitae Variant Classification Sherloc (09022015). Collection method: clinical testing. Allele origin: germline.

Mayo Clinic Laboratories, Mayo Clinic
Classification: Likely benign. Last evaluated: 2025-10-09. Review status: criteria provided, single submitter. Criteria: ACMG Guidelines, 2015. Collection method: clinical testing. Allele origin: germline. Observed: 2 variant alleles.
Comment: BS1, BP4, BP7

Blueprint Genetics
Classification: Likely benign. Last evaluated: 2024-04-11. Review status: criteria provided, single submitter. Criteria: ACMG Guidelines, 2015. Collection method: clinical testing. Allele origin: germline.

Ambry Genetics
Classification: Likely benign for Cardiovascular phenotype. Last evaluated: 2022-05-20. Review status: criteria provided, single submitter. Criteria: Ambry Variant Classification Scheme 2023. Collection method: clinical testing. Allele origin: germline.

Illumina Laboratory Services, Illumina
Classification: Likely benign for Telangiectasia, hereditary hemorrhagic, type 1. Last evaluated: 2018-01-12. Review status: criteria provided, single submitter. Criteria: ICSL Variant Classification Criteria 13 December 2019. Collection method: clinical testing. Allele origin: germline.
Comment: This variant was observed in the ICSL laboratory as part of a predisposition screen in an ostensibly healthy population. It had not been previously curated by ICSL or reported in the Human Gene Mutation Database (HGMD: prior to June 1st, 2018), and was therefore a candidate for classification through an automated scoring system. Utilizing variant allele frequency, disease prevalence and penetrance estimates, and inheritance mode, an automated score was calculated to assess if this variant is too frequent to cause the disease. Based on the score and internal cut-off values, a variant classified as likely benign is not then subjected to further curation. The score for this variant resulted in a classification of likely benign for this disease.

ARUP Laboratories, Molecular Genetics and Genomics, ARUP Laboratories
Classification: Benign. Last evaluated: 2017-05-17. Review status: criteria provided, single submitter. Criteria: ARUP Molecular Germline Variant Investigation Process. Collection method: clinical testing. Allele origin: germline.

Breakthrough Genomics
Classification: Likely benign. Review status: criteria provided, single submitter. Criteria: ACMG Guidelines, 2015. Collection method: not provided. Allele origin: germline. Inheritance: Autosomal dominant inheritance. Affected: yes.

NM_001114753.3(ENG):c.225G>A (p.Pro75=)

Gene: ENG (endoglin; minus strand). Cytogenetic location: 9q34.11.
Variant type: single nucleotide variant.
Coding change: c.225G>A on transcript NM_001114753.3 (MANE Select); coding-DNA position 225, G replaced by A.
Protein change: p.Pro75=; no amino-acid change (proline 75 retained).
Molecular consequence: synonymous variant. On other transcripts: 5 prime UTR variant (1).
Genome position (GRCh38, 1-based): chr9:127,829,822, C>T on the plus strand (G>A on the coding strand, the complement: ENG is on the minus strand). VCF-style: chr9-127829822-C-T. GRCh37 (hg19) VCF-style: chr9-130592101-C-T.
Other names: p.Pro75=; c.-322G>A (NM_001278138.2); c.225G>A, p.Pro75= (NM_001406715.1, NM_000118.4).
Identifiers: ClinVar variation 414305 (VCV000414305.55), dbSNP rs116146060, ClinGen allele CA5253180.